The following is an entry in ClinVar:

NM_000173.7(GP1BA):c.1116C>T (p.Phe372=)

Gene: GP1BA (glycoprotein Ib platelet subunit alpha; plus strand). Cytogenetic location: 17p13.2.
Variant type: single nucleotide variant.
Coding change: c.1116C>T on transcript NM_000173.7 (MANE Select); coding-DNA position 1116, C replaced by T.
Protein change: p.Phe372=; no amino-acid change (phenylalanine 372 retained).
Molecular consequence: synonymous variant.
Genome position (GRCh38, 1-based): chr17:4,933,720, C>T. VCF-style: chr17-4933720-C-T. GRCh37 (hg19) VCF-style: chr17-4837015-C-T.
Identifiers: ClinVar variation 3046722 (VCV003046722.2), dbSNP rs371918202, ClinGen allele CA8314900.

ClinVar aggregate classification (germline): Likely benign (0 of 4 stars; one submission).

Conditions:
GP1BA-related disorder. Also called: GP1BA-related condition.

Allele frequency attached by ClinVar (database versions not stated): ExAC 0.00001; gnomAD 0.00003; TOPMed 0.00004; gnomAD exomes 0.00006; ESP Exome Variant Server 0.00008.
gnomAD v4.1: 104 of 1,613,824 alleles (0.0064%); highest among the groups gnomAD compares: Non-Finnish European, 0.0078%; no homozygotes.

Submission:

PreventionGenetics, part of Exact Sciences
Classification: Likely benign for GP1BA-related condition. Last evaluated: 2020-03-20. Review status: no assertion criteria provided. Collection method: clinical testing. Allele origin: germline.
Comment: This variant is classified as likely benign based on ACMG/AMP sequence variant interpretation guidelines (Richards et al. 2015 PMID: 25741868, with internal and published modifications).